The following is an entry in ClinVar:

NM_000433.4(NCF2):c.130G>T (p.Gly44Cys)

Gene: NCF2 (neutrophil cytosolic factor 2; minus strand). Cytogenetic location: 1q25.3.
Variant type: single nucleotide variant.
Coding change: c.130G>T on transcript NM_000433.4 (MANE Select); coding-DNA position 130, G replaced by T.
Protein change: p.Gly44Cys; replaces glycine 44 with cysteine.
Molecular consequence: missense variant.
Genome position (GRCh38, 1-based): chr1:183,590,200, C>A on the plus strand (G>T on the coding strand, the complement: NCF2 is on the minus strand). VCF-style: chr1-183590200-C-A. GRCh37 (hg19) VCF-style: chr1-183559335-C-A.
Other names: c.130G>T, p.Gly44Cys (NM_001127651.3, NM_001190789.2, NM_001190794.2); short protein forms G44C.
Identifiers: ClinVar variation 68487 (VCV000068487.4), dbSNP rs137854510, ClinGen allele CA145209.

ClinVar aggregate classification (germline): Uncertain significance. Review status: criteria provided, single submitter (1 of 4 stars). 2 submissions from 2 submitters: Uncertain significance (1). 1 of the submissions does not count toward it. Last evaluated 2020-12-08.

Conditions:
Granulomatous disease, chronic, autosomal recessive, cytochrome b-positive, type 2. Also called: GRANULOMATOUS DISEASE, CHRONIC, AUTOSOMAL RECESSIVE, 2; CGD, AUTOSOMAL RECESSIVE CYTOCHROME b-POSITIVE, TYPE II; GRANULOMATOUS DISEASE, CHRONIC, DUE TO NCF2 DEFICIENCY; Chronic granulomatous disease due to deficiency of NCF-2; Chronic Granulomatous Disease, Autosomal Recessive, Cytochrome b-Positive, Type II. Identifiers: Orphanet 379, MedGen C1856245, MONDO:0009310, OMIM 233710.

Submissions (2):

GeneDx
Classification: Uncertain significance. Last evaluated: 2020-12-08. Review status: criteria provided, single submitter. Criteria: GeneDx Variant Classification Process June 2021. Collection method: clinical testing. Allele origin: germline. Affected: yes.
Comment: Not observed in large population cohorts (Lek et al., 2016); In silico analysis supports that this missense variant has a deleterious effect on protein structure/function; This variant is associated with the following publications: (PMID: 20167518, 21190454)

UniProtKB/Swiss-Prot
No classification provided. Condition: Chronic granulomatous disease, autosomal recessive cytochrome b-positive, type 2. Review status: no classification provided. Collection method: not provided. Allele origin: not provided. Not counted in ClinVar's aggregate classification.